The following is an entry in ClinVar:

NM_005125.2(CCS):c.804G>A (p.Ala268=)

Gene: CCS (copper chaperone for superoxide dismutase; plus strand). Cytogenetic location: 11q13.2.
Variant type: single nucleotide variant.
Coding change: c.804G>A on transcript NM_005125.2 (MANE Select); coding-DNA position 804, G replaced by A.
Protein change: p.Ala268=; no amino-acid change (alanine 268 retained).
Molecular consequence: synonymous variant.
Genome position (GRCh38, 1-based): chr11:66,605,834, G>A. VCF-style: chr11-66605834-G-A. GRCh37 (hg19) VCF-style: chr11-66373305-G-A.
Identifiers: ClinVar variation 3057199 (VCV003057199.2), dbSNP rs1127145, ClinGen allele CA6126577.

ClinVar aggregate classification (germline): Benign (0 of 4 stars; one submission).

Conditions:
CCS-related disorder. Also called: CCS-related condition.

Allele frequency attached by ClinVar (database versions not stated): 1000 Genomes Project 0.07867; 1000 Genomes Project 30x 0.07933; TOPMed 0.10143; gnomAD 0.11222; ESP Exome Variant Server 0.11694; ExAC 0.13697; gnomAD exomes 0.15706.
gnomAD v4.1: 237,845 of 1,563,720 alleles (15%); highest among the groups gnomAD compares: Non-Finnish European, 17%; 19,585 homozygotes.

Submission:

PreventionGenetics, part of Exact Sciences
Classification: Benign for CCS-related condition. Last evaluated: 2019-11-12. Review status: no assertion criteria provided. Collection method: clinical testing. Allele origin: germline.
Comment: This variant is classified as benign based on ACMG/AMP sequence variant interpretation guidelines (Richards et al. 2015 PMID: 25741868, with internal and published modifications).